The following is an entry in ClinVar:

NM_001023.4(RPS20):c.351A>G (p.Ala117=)

Gene: RPS20 (ribosomal protein S20; minus strand). Cytogenetic location: 8q12.1.
Variant type: single nucleotide variant.
Coding change: c.351A>G on transcript NM_001023.4 (MANE Select); coding-DNA position 351, A replaced by G.
Protein change: p.Ala117=; no amino-acid change (alanine 117 retained).
Molecular consequence: synonymous variant. On other transcripts: intron variant (1).
Genome position (GRCh38, 1-based): chr8:56,073,099, T>C on the plus strand (A>G on the coding strand, the complement: RPS20 is on the minus strand). VCF-style: chr8-56073099-T-C. GRCh37 (hg19) VCF-style: chr8-56985658-T-C.
Other names: c.333+18A>G (NM_001146227.3).
Identifiers: ClinVar variation 757864 (VCV000757864.12), dbSNP rs751272740, ClinGen allele CA4754312.
Genomic context (GRCh38, chr8:56,073,099, plus strand): 5'-AAAAACCAACAGAAGTTAACAACTGGTCATCAATTTATTAAAATAGTTGACTTAAGCATC[T>C]GCAATGGTGACTTCCACCTCAACTCCTGGCTCAATACTGATGGAAGTAATCTGCTTAACA-3'
Protein context (NP_001014.1, residues 107-119): EPGVEVEVTI[Ala117=]DA

ClinVar aggregate classification (germline): Benign/Likely benign. Review status: criteria provided, multiple submitters, no conflicts (2 of 4 stars). 3 submissions from 3 submitters: Benign (1); Likely benign (2). Last evaluated 2026-08-04.

Conditions:
Familial colorectal cancer type X. Identifiers: Orphanet 440437, MedGen C3896578, MONDO:0018604.

Allele frequency attached by ClinVar (database versions not stated): gnomAD exomes below 0.00001; gnomAD 0.00001; TOPMed 0.00002; ExAC 0.00001.
gnomAD v4.1: 15 of 1,594,990 alleles (0.00094%); highest among the groups gnomAD compares: African/African-American, 0.013%; no homozygotes.

Submissions (3):

Myriad Genetics, Inc.
Classification: Benign for Familial colorectal cancer type X. Last evaluated: 2026-08-04. Review status: criteria provided, single submitter. Criteria: Myriad Autosomal Dominant, Autosomal Recessive and X-Linked Classification Criteria (2023). Collection method: clinical testing. Allele origin: unknown.
Comment: This variant is considered benign. This variant is intronic and is not expected to impact mRNA splicing.

Labcorp Genetics (formerly Invitae), Labcorp
Classification: Likely benign. Last evaluated: 2025-04-20. Review status: criteria provided, single submitter. Criteria: Invitae Variant Classification Sherloc (09022015). Collection method: clinical testing. Allele origin: germline.

Ambry Genetics
Classification: Likely benign. Last evaluated: 2022-03-08. Review status: criteria provided, single submitter. Criteria: Ambry Variant Classification Scheme 2023. Collection method: clinical testing. Allele origin: germline.